The following is an entry in ClinVar:

ClinVar aggregate classification (germline): Uncertain significance (1 of 4 stars; one submission).

gnomAD v4.1: 3 of 1,614,082 alleles (0.00019%); highest among the groups gnomAD compares: Non-Finnish European, 0.00025%; no homozygotes.

Submission:

Labcorp Genetics (formerly Invitae), Labcorp
Classification: Uncertain significance. Last evaluated: 2025-01-22. Review status: criteria provided, single submitter. Criteria: Invitae Variant Classification Sherloc (09022015). Collection method: clinical testing. Allele origin: germline.
Comment: This sequence change replaces alanine, which is neutral and non-polar, with valine, which is neutral and non-polar, at codon 397 of the TRIP13 protein (p.Ala397Val). This variant is not present in population databases (gnomAD no frequency). This variant has not been reported in the literature in individuals affected with TRIP13-related conditions. An algorithm developed to predict the effect of missense changes on protein structure and function (PolyPhen-2) suggests that this variant is likely to be disruptive. In summary, the available evidence is currently insufficient to determine the role of this variant in disease. Therefore, it has been classified as a Variant of Uncertain Significance.

NM_004237.4(TRIP13):c.1190C>T (p.Ala397Val)

Gene: TRIP13 (thyroid hormone receptor interactor 13; plus strand). Cytogenetic location: 5p15.33.
Variant type: single nucleotide variant.
Coding change: c.1190C>T on transcript NM_004237.4 (MANE Select); coding-DNA position 1190, C replaced by T.
Protein change: p.Ala397Val; replaces alanine 397 with valine.
Molecular consequence: missense variant.
Genome position (GRCh38, 1-based): chr5:915,960, C>T. VCF-style: chr5-915960-C-T. GRCh37 (hg19) VCF-style: chr5-916075-C-T.
Other names: short protein forms A397V.
Identifiers: ClinVar variation 3668033 (VCV003668033.2).